The following is an entry in ClinVar:

NM_000836.4(GRIN2D):c.2825_2826delinsAA (p.Arg942Gln)

Gene: GRIN2D (glutamate ionotropic receptor NMDA type subunit 2D; plus strand). Cytogenetic location: 19q13.33.
Variant type: Indel.
Coding change: c.2825_2826delinsAA on transcript NM_000836.4 (MANE Select); coding-DNA positions 2825 to 2826, GC replaced by AA.
Protein change: p.Arg942Gln; replaces arginine 942 with glutamine.
Molecular consequence: missense variant.
Genome position (GRCh38, 1-based): chr19:48,442,751-48,442,752, GC replaced by AA. VCF-style: chr19-48442751-GC-AA. GRCh37 (hg19) VCF-style: chr19-48946008-GC-AA.
Other names: short protein forms R942Q.
Identifiers: ClinVar variation 2752393 (VCV002752393.3), dbSNP rs2513691907, ClinGen allele CA2697556646.

ClinVar aggregate classification (germline): Uncertain significance (1 of 4 stars; one submission).

Submission:

Labcorp Genetics (formerly Invitae), Labcorp
Classification: Uncertain significance. Last evaluated: 2023-12-23. Review status: criteria provided, single submitter. Criteria: Invitae Variant Classification Sherloc (09022015). Collection method: clinical testing. Allele origin: germline.
Comment: This sequence change replaces arginine, which is basic and polar, with glutamine, which is neutral and polar, at codon 942 of the GRIN2D protein (p.Arg942Gln). The frequency data for this variant in the population databases is considered unreliable, as metrics indicate insufficient coverage at this position in the gnomAD database. This variant has not been reported in the literature in individuals affected with GRIN2D-related conditions. An algorithm developed to predict the effect of missense changes on protein structure and function (PolyPhen-2) suggests that this variant is likely to be tolerated. In summary, the available evidence is currently insufficient to determine the role of this variant in disease. Therefore, it has been classified as a Variant of Uncertain Significance.